The following is an entry in ClinVar:

ClinVar aggregate classification (germline): Benign/Likely benign. Review status: criteria provided, multiple submitters, no conflicts (2 of 4 stars). 3 submissions from 3 submitters: Benign (2); Likely benign (1). Last evaluated 2025-07-01.

Allele frequency attached by ClinVar (database versions not stated): TOPMed 0.00050; 1000 Genomes Project 0.00060; 1000 Genomes Project 30x 0.00062; ESP Exome Variant Server 0.00123; gnomAD exomes 0.00142 and 0.00169; gnomAD 0.00147 and 0.00156; ExAC 0.00168.
gnomAD v4.1: 2,239 of 1,589,512 alleles (0.14%); highest among the groups gnomAD compares: Non-Finnish European, 0.14%; 7 homozygotes.

Submissions (3):

CeGaT Center for Human Genetics Tuebingen
Classification: Likely benign. Last evaluated: 2025-07-01. Review status: criteria provided, single submitter. Criteria: CeGaT Center For Human Genetics Tuebingen Variant Classification Criteria Version 2. Collection method: clinical testing. Allele origin: germline. Affected: yes. Observed: 5 variant alleles.
Comment: VPS13C: PP3, BS2

Labcorp Genetics (formerly Invitae), Labcorp
Classification: Benign. Last evaluated: 2025-05-17. Review status: criteria provided, single submitter. Criteria: Invitae Variant Classification Sherloc (09022015). Collection method: clinical testing. Allele origin: germline.

Mayo Clinic Laboratories, Mayo Clinic
Classification: Benign. Last evaluated: 2023-10-04. Review status: criteria provided, single submitter. Criteria: ACMG Guidelines, 2015. Collection method: clinical testing. Allele origin: germline. Observed: 3 variant alleles.
Comment: BS1, BS2

NM_020821.3(VPS13C):c.1484-2A>G

Gene: VPS13C (vacuolar protein sorting 13 homolog C; minus strand). Cytogenetic location: 15q22.2.
Variant type: single nucleotide variant.
Coding change: c.1484-2A>G on transcript NM_020821.3 (MANE Select); the canonical splice acceptor site of the intron before coding-DNA position 1484, A replaced by G.
Molecular consequence: splice acceptor variant.
Genome position (GRCh38, 1-based): chr15:61,991,096, T>C on the plus strand (A>G on the coding strand, the complement: VPS13C is on the minus strand). VCF-style: chr15-61991096-T-C. GRCh37 (hg19) VCF-style: chr15-62283295-T-C.
Other names: c.1355-2A>G (NM_017684.5, NM_018080.4); c.1484-2A>G (NM_001018088.3).
Identifiers: ClinVar variation 726458 (VCV000726458.35), dbSNP rs143639809, ClinGen allele CA7597020.